The following is an entry in ClinVar:

ClinVar aggregate classification (germline): Pathogenic. Review status: criteria provided, multiple submitters, no conflicts (2 of 4 stars). 3 submissions from 3 submitters: Pathogenic (2). 1 of the submissions does not count toward it. Last evaluated 2026-02-25.

Conditions:
Retinoblastoma (RB1). Also called: RETINOBLASTOMA, SOMATIC. Identifiers: Orphanet 790, MedGen C0035335, MeSH D012175, MONDO:0008380, OMIM 180200, HP:0009919. Disease mechanism: loss of function. Inheritance: Both sporadic and heritable forms are tested..
Malignant tumor of urinary bladder. Also called: Urinary bladder cancer; Bladder cancer; Urinary Bladder Neoplasms. Identifiers: MedGen C0005684, MONDO:0001187, OMIM 109800.

Submissions (3):

Hema, HEMA – Genetic and Molecular Diagnostic Laboratory
Classification: Pathogenic for Retinoblastoma. Last evaluated: 2026-02-25. Review status: criteria provided, single submitter. Criteria: HEMA Variant Classification Assertion Criteria. Collection method: clinical testing. Allele origin: germline.
Comment: The variant c.234G>A p.(Trp78*) is a transition from guanine to adenine that results in the substitution of tryptophan 78 with a stop codon. PVS1: Null variant (nonsense) in a gene for which loss of function is a known disease mechanism. It introduces a premature stop codon in exon 2 of 27, which is predicted to result in nonsense-mediated decay (NMD) of the transcript. PM2_Supporting: Absent in the gnomAD v4.1.0 database.

Labcorp Genetics (formerly Invitae), Labcorp
Classification: Pathogenic for Retinoblastoma. Last evaluated: 2021-09-16. Review status: criteria provided, single submitter. Criteria: Invitae Variant Classification Sherloc (09022015). Collection method: clinical testing. Allele origin: germline.
Comment: For these reasons, this variant has been classified as Pathogenic. This premature translational stop signal has been observed in individual(s) with bilateral retinoblastoma (PMID: 28193182). This variant is not present in population databases (ExAC no frequency). This sequence change creates a premature translational stop signal (p.Trp78*) in the RB1 gene. It is expected to result in an absent or disrupted protein product. Loss-of-function variants in RB1 are known to be pathogenic (PMID: 17096365).

Laboratory of Urology, Hospital Clinic de Barcelona
Classification: Pathogenic for Malignant tumor of urinary bladder. Review status: no assertion criteria provided. Collection method: research. Allele origin: somatic. Affected: yes. Not counted in ClinVar's aggregate classification.

Literature cited by the submitters: PubMed 28193182 (cited by Labcorp Genetics (formerly Invitae), Labcorp); PubMed 17096365 (cited by Labcorp Genetics (formerly Invitae), Labcorp).

NM_000321.3(RB1):c.234G>A (p.Trp78Ter)

Gene: RB1 (RB transcriptional corepressor 1; plus strand). Cytogenetic location: 13q14.2.
Variant type: single nucleotide variant.
Coding change: c.234G>A on transcript NM_000321.3 (MANE Select); coding-DNA position 234, G replaced by A.
Protein change: p.Trp78Ter; replaces tryptophan 78 with a stop codon.
Molecular consequence: nonsense.
Genome position (GRCh38, 1-based): chr13:48,307,376, G>A. VCF-style: chr13-48307376-G-A. GRCh37 (hg19) VCF-style: chr13-48881512-G-A.
Other names: short protein forms W78*.
Identifiers: ClinVar variation 1456015 (VCV001456015.7), dbSNP rs2138034427, ClinGen allele CA388250637.